The following is an entry in ClinVar:

ClinVar aggregate classification (germline): Uncertain significance (1 of 4 stars; one submission).

Submission:

Labcorp Genetics (formerly Invitae), Labcorp
Classification: Uncertain significance. Last evaluated: 2023-11-21. Review status: criteria provided, single submitter. Criteria: Invitae Variant Classification Sherloc (09022015). Collection method: clinical testing. Allele origin: unknown.
Comment: This variant results in a copy number gain of the genomic region encompassing exon(s) 3 of the NDUFAF1 gene. While the exact position of this variant cannot be determined from the data, sub-genic copy number gains are generally in tandem (PMID: 25640679). This variant is predicted to be in-frame, and likely preserves the integrity of the reading frame. This variant has not been reported in the literature in individuals affected with NDUFAF1-related conditions. In summary, the available evidence is currently insufficient to determine the role of this variant in disease. Therefore, it has been classified as a Variant of Uncertain Significance.

Literature cited by the submitters: PubMed 25640679.

NC_000015.9:g.(?_41687037)_(41687262_?)dup

Gene: NDUFAF1 (NADH:ubiquinone oxidoreductase complex assembly factor 1; minus strand). Cytogenetic location: 15q15.1.
Variant type: Duplication.
Identifiers: ClinVar variation 3243890 (VCV003243890.1).